The following is an entry in ClinVar:

ClinVar aggregate classification (germline): Uncertain significance (1 of 4 stars; one submission).

Submission:

GeneDx
Classification: Uncertain significance. Last evaluated: 2025-05-14. Review status: criteria provided, single submitter. Criteria: GeneDx Variant Classification Process June 2021. Collection method: clinical testing. Allele origin: germline. Affected: yes.
Comment: Not observed at significant frequency in large population cohorts (gnomAD); In silico analysis supports that this missense variant has a deleterious effect on protein structure/function; Has not been previously published as pathogenic or benign to our knowledge

NM_002070.4(GNAI2):c.1024G>A (p.Asp342Asn)

Gene: GNAI2 (G protein subunit alpha i2; plus strand). Cytogenetic location: 3p21.31.
Variant type: single nucleotide variant.
Coding change: c.1024G>A on transcript NM_002070.4 (MANE Select); coding-DNA position 1024, G replaced by A.
Protein change: p.Asp342Asn; replaces aspartic acid 342 with asparagine.
Molecular consequence: missense variant.
Genome position (GRCh38, 1-based): chr3:50,257,646, G>A. VCF-style: chr3-50257646-G-A. GRCh37 (hg19) VCF-style: chr3-50295078-G-A.
Other names: c.913G>A, p.Asp305Asn (NM_001166425.2); c.868G>A, p.Asp290Asn (NM_001282617.2); c.781G>A, p.Asp261Asn (NM_001282618.2); c.976G>A, p.Asp326Asn (NM_001282619.2, NM_001282620.2); short protein forms D261N, D290N, D305N, D326N, D342N.
Identifiers: ClinVar variation 4529912 (VCV004529912.1).